The following is an entry in ClinVar:

NM_001042492.3(NF1):c.7370A>G (p.His2457Arg)

Gene: NF1 (neurofibromin 1; plus strand). Cytogenetic location: 17q11.2.
Variant type: single nucleotide variant.
Coding change: c.7370A>G on transcript NM_001042492.3 (MANE Select); coding-DNA position 7370, A replaced by G.
Protein change: p.His2457Arg; replaces histidine 2457 with arginine.
Molecular consequence: missense variant.
Genome position (GRCh38, 1-based): chr17:31,350,231, A>G. VCF-style: chr17-31350231-A-G. GRCh37 (hg19) VCF-style: chr17-29677249-A-G.
Other names: c.7307A>G, p.His2436Arg (NM_000267.4); short protein forms H2436R, H2457R.
Identifiers: ClinVar variation 216410 (VCV000216410.17), dbSNP rs863224664, ClinGen allele CA337764.

ClinVar aggregate classification (germline): Conflicting classifications of pathogenicity. Review status: criteria provided, conflicting classifications (1 of 4 stars). 5 submissions from 5 submitters: Uncertain significance (4); Likely benign (1). Last evaluated 2025-11-13.

Conditions:
Cardiovascular phenotype. Identifiers: MedGen CN230736.
Hereditary cancer-predisposing syndrome. Also called: Tumor predisposition; Hereditary Cancer Syndrome; Neoplastic Syndromes, Hereditary; Hereditary neoplastic syndrome. Identifiers: Orphanet 140162, MedGen C0027672, MeSH D009386, MONDO:0015356.
Neurofibromatosis, type 1 (NF1). Also called: VON RECKLINGHAUSEN DISEASE; Peripheral type neurofibromatosis; Neurofibromatosis, type I; NEUROFIBROMATOSIS, TYPE I, SOMATIC. Identifiers: Orphanet 636, MedGen C0027831, MONDO:0018975, OMIM 162200. Disease mechanism: loss of function.
Juvenile myelomonocytic leukemia (JMML). Also called: LEUKEMIA, JUVENILE MYELOMONOCYTIC, SOMATIC. Identifiers: Orphanet 86834, MedGen C0349639, MONDO:0011908, OMIM 607785, HP:0012209.

Allele frequency attached by ClinVar (database versions not stated): gnomAD 0.00001; TOPMed 0.00001.
gnomAD v4.1: 21 of 1,613,856 alleles (0.0013%); highest among the groups gnomAD compares: East Asian, 0.0022%; no homozygotes.

Submissions (5):

Labcorp Genetics (formerly Invitae), Labcorp
Classification: Likely benign for Neurofibromatosis, type 1. Last evaluated: 2025-11-13. Review status: criteria provided, single submitter. Criteria: Invitae Variant Classification Sherloc (09022015). Collection method: clinical testing. Allele origin: germline.

Ambry Genetics
Classification: Uncertain significance for Cardiovascular phenotype; Hereditary cancer-predisposing syndrome. Last evaluated: 2024-03-12. Review status: criteria provided, single submitter. Criteria: Ambry Variant Classification Scheme 2023. Collection method: clinical testing. Allele origin: germline.
Comment: The p.H2436R variant (also known as c.7307A>G), located in coding exon 49 of the NF1 gene, results from an A to G substitution at nucleotide position 7307. The histidine at codon 2436 is replaced by arginine, an amino acid with highly similar properties. This amino acid position is highly conserved in available vertebrate species. In addition, the in silico prediction for this alteration is inconclusive. Since supporting evidence is limited at this time, the clinical significance of this alteration remains unclear.

Baylor Genetics
Classification: Uncertain significance for Juvenile myelomonocytic leukemia. Last evaluated: 2023-10-22. Review status: criteria provided, single submitter. Criteria: ACMG Guidelines, 2015. Collection method: clinical testing. Allele origin: unknown.

Genome-Nilou Lab
Classification: Uncertain significance for Neurofibromatosis, type 1. Last evaluated: 2022-03-15. Review status: criteria provided, single submitter. Criteria: ACMG Guidelines, 2015. Collection method: clinical testing. Allele origin: germline. Affected: no.

GeneDx
Classification: Uncertain significance. Last evaluated: 2020-09-03. Review status: criteria provided, single submitter. Criteria: GeneDx Variant Classification Process June 2021. Collection method: clinical testing. Allele origin: germline. Affected: yes.
Comment: Not observed in large population cohorts (Lek et al., 2016); In silico analysis supports that this missense variant has a deleterious effect on protein structure/function; Has not been previously published as pathogenic or benign to our knowledge